The following is an entry in ClinVar:

NM_001035.3(RYR2):c.7081G>T (p.Gly2361Cys)

Gene: RYR2 (ryanodine receptor 2; plus strand). Cytogenetic location: 1q43.
Variant type: single nucleotide variant.
Coding change: c.7081G>T on transcript NM_001035.3 (MANE Select); coding-DNA position 7081, G replaced by T.
Protein change: p.Gly2361Cys; replaces glycine 2361 with cysteine.
Molecular consequence: missense variant.
Genome position (GRCh38, 1-based): chr1:237,639,167, G>T. VCF-style: chr1-237639167-G-T. GRCh37 (hg19) VCF-style: chr1-237802467-G-T.
Other names: short protein forms G2361C.
Identifiers: ClinVar variation 4976398 (VCV004976398.1).

ClinVar aggregate classification (germline): Uncertain significance (1 of 4 stars; one submission).

Submission:

GeneDx
Classification: Uncertain significance. Last evaluated: 2026-02-08. Review status: criteria provided, single submitter. Criteria: GeneDx Variant Classification Process June 2021. Collection method: clinical testing. Allele origin: germline.
Comment: Not observed at significant frequency in large population cohorts (gnomAD); In silico analysis supports that this missense variant has a deleterious effect on protein structure/function; Has not been previously published as pathogenic or benign to our knowledge; Located in one of the three hot-spot regions of the RYR2 gene, where the majority of pathogenic missense variants occur (PMID: 19926015); This variant is associated with the following publications: (PMID: 19926015)